The following is an entry in ClinVar:

NM_006947.4(SRP72):c.365T>C (p.Leu122Ser)

Gene: SRP72 (signal recognition particle 72; plus strand). Cytogenetic location: 4q12.
Variant type: single nucleotide variant.
Coding change: c.365T>C on transcript NM_006947.4 (MANE Select); coding-DNA position 365, T replaced by C.
Protein change: p.Leu122Ser; replaces leucine 122 with serine.
Molecular consequence: missense variant. On other transcripts: non-coding transcript variant (1).
Genome position (GRCh38, 1-based): chr4:56,474,064, T>C. VCF-style: chr4-56474064-T-C. GRCh37 (hg19) VCF-style: chr4-57340230-T-C.
Other names: c.365T>C, p.Leu122Ser (NM_001267722.2); short protein forms L122S.
Identifiers: ClinVar variation 4865129 (VCV004865129.1).

ClinVar aggregate classification (germline): Uncertain significance (1 of 4 stars; one submission).

Submission:

Ambry Genetics
Classification: Uncertain significance. Last evaluated: 2026-04-22. Review status: criteria provided, single submitter. Criteria: Ambry Variant Classification Scheme 2023. Collection method: clinical testing. Allele origin: germline.
Comment: The p.L122S variant (also known as c.365T>C), located in coding exon 4 of the SRP72 gene, results from a T to C substitution at nucleotide position 365. The leucine at codon 122 is replaced by serine, an amino acid with dissimilar properties. This amino acid position is conserved. In addition, the in silico prediction for this alteration is inconclusive. Based on the available evidence, the clinical significance of this variant remains unclear.